The following is an entry in ClinVar:

NM_001447.3(FAT2):c.12901C>A (p.Arg4301Ser)

Genes: FAT2 (FAT atypical cadherin 2; minus strand), SLC36A1 (solute carrier family 36 member 1; plus strand). Cytogenetic location: 5q33.1.
Variant type: single nucleotide variant.
Coding change: c.12901C>A on transcript NM_001447.3 (MANE Select); coding-DNA position 12901, C replaced by A.
Protein change: p.Arg4301Ser; replaces arginine 4301 with serine.
Molecular consequence: missense variant.
Genome position (GRCh38, 1-based): chr5:151,505,714, G>T on the plus strand (C>A on the coding strand, the complement: FAT2 is on the minus strand). VCF-style: chr5-151505714-G-T. GRCh37 (hg19) VCF-style: chr5-150885275-G-T.
Other names: short protein forms R4301S.
Identifiers: ClinVar variation 3711162 (VCV003711162.2).

ClinVar aggregate classification (germline): Uncertain significance (1 of 4 stars; one submission).

Submission:

Labcorp Genetics (formerly Invitae), Labcorp
Classification: Uncertain significance. Last evaluated: 2024-03-13. Review status: criteria provided, single submitter. Criteria: Invitae Variant Classification Sherloc (09022015). Collection method: clinical testing. Allele origin: germline.
Comment: This sequence change replaces arginine, which is basic and polar, with serine, which is neutral and polar, at codon 4301 of the FAT2 protein (p.Arg4301Ser). This variant is not present in population databases (gnomAD no frequency). This variant has not been reported in the literature in individuals affected with FAT2-related conditions. An algorithm developed to predict the effect of missense changes on protein structure and function (PolyPhen-2) suggests that this variant is likely to be disruptive. In summary, the available evidence is currently insufficient to determine the role of this variant in disease. Therefore, it has been classified as a Variant of Uncertain Significance.